The following is an entry in ClinVar:

NM_000782.5(CYP24A1):c.616G>A (p.Glu206Lys)

Gene: CYP24A1 (cytochrome P450 family 24 subfamily A member 1; minus strand). Cytogenetic location: 20q13.2.
Variant type: single nucleotide variant.
Coding change: c.616G>A on transcript NM_000782.5 (MANE Select); coding-DNA position 616, G replaced by A.
Protein change: p.Glu206Lys; replaces glutamic acid 206 with lysine.
Molecular consequence: missense variant.
Genome position (GRCh38, 1-based): chr20:54,169,616, C>T on the plus strand (G>A on the coding strand, the complement: CYP24A1 is on the minus strand). VCF-style: chr20-54169616-C-T. GRCh37 (hg19) VCF-style: chr20-52786155-C-T.
Other names: c.616G>A, p.Glu206Lys (NM_001128915.2); c.616G>A (NM_000782.4); short protein forms E206K.
Identifiers: ClinVar variation 1079881 (VCV001079881.12), dbSNP rs115260488, ClinGen allele CA9916074.
Genomic context (GRCh38, chr20:54,169,616, plus strand): 5'-GCAAAATCAGTGAGCAAGTCTGTGACGACAACTTACTTTCAAACGACCATTTGTTCAGTT[C>T]GCTGTACAAGTCTTCAACGTGGCCTCTTTCATCACAGAGCTCATCTATTCTGCCCATAAA-3'
Protein context (NP_000773.2, residues 196-216): ERGHVEDLYS[Glu206Lys]LNKWSFESIC

ClinVar aggregate classification (germline): Likely benign. Review status: criteria provided, multiple submitters, no conflicts (2 of 4 stars). 4 submissions from 4 submitters: Likely benign (4). Last evaluated 2025-07-03.

Conditions:
Hypercalcemia, infantile, 1 (HCINF1). Identifiers: Orphanet 300547, MedGen CN031131, MONDO:0020739, OMIM 143880.
CYP24A1-related disorder. Also called: CYP24A1-related condition.

Allele frequency attached by ClinVar (database versions not stated): gnomAD exomes 0.00010 and 0.00037; ESP Exome Variant Server 0.00038; ExAC 0.00040; gnomAD 0.00060 and 0.00065; TOPMed 0.00073; 1000 Genomes Project 30x 0.00078; 1000 Genomes Project 0.00080.

Submissions (4):

Labcorp Genetics (formerly Invitae), Labcorp
Classification: Likely benign. Last evaluated: 2025-07-03. Review status: criteria provided, single submitter. Criteria: Invitae Variant Classification Sherloc (09022015). Collection method: clinical testing. Allele origin: germline.

PreventionGenetics, part of Exact Sciences
Classification: Likely benign for CYP24A1-related condition. Last evaluated: 2025-02-28. Review status: criteria provided, single submitter. Criteria: ACMG Guidelines, 2015. Collection method: clinical testing. Allele origin: germline.
Comment: This variant is classified as likely benign based on ACMG/AMP sequence variant interpretation guidelines (Richards et al. 2015 PMID: 25741868, with internal and published modifications).

Fulgent Genetics
Classification: Likely benign for Hypercalcemia, infantile, 1. Last evaluated: 2021-07-08. Review status: criteria provided, single submitter. Criteria: ACMG Guidelines, 2015. Collection method: clinical testing. Allele origin: unknown.

Breakthrough Genomics
Classification: Likely benign. Review status: criteria provided, single submitter. Criteria: ACMG Guidelines, 2015. Collection method: not provided. Allele origin: germline. Inheritance: Autosomal recessive inheritance. Affected: yes.